The following is an entry in ClinVar:

NM_017534.6(MYH2):c.3187G>T (p.Gly1063Cys)

Genes: MYH2 (myosin heavy chain 2; minus strand), MYHAS (myosin heavy chain gene cluster antisense RNA; plus strand). Cytogenetic location: 17p13.1.
Variant type: single nucleotide variant.
Coding change: c.3187G>T on transcript NM_017534.6 (MANE Select); coding-DNA position 3187, G replaced by T.
Protein change: p.Gly1063Cys; replaces glycine 1063 with cysteine.
Molecular consequence: missense variant.
Genome position (GRCh38, 1-based): chr17:10,529,412, C>A on the plus strand (G>T on the coding strand, the complement: MYH2 is on the minus strand). VCF-style: chr17-10529412-C-A. GRCh37 (hg19) VCF-style: chr17-10432729-C-A.
Other names: c.3187G>T, p.Gly1063Cys (NM_001100112.2); short protein forms G1063C.
Identifiers: ClinVar variation 1947281 (VCV001947281.5), dbSNP rs778475119, ClinGen allele CA8390989.

ClinVar aggregate classification (germline): Uncertain significance (1 of 4 stars; one submission).

Conditions:
Myopathy, proximal, and ophthalmoplegia (CMYO6). Also called: MYOPATHY WITH CONGENITAL JOINT CONTRACTURES, OPHTHALMOPLEGIA, AND RIMMED VACUOLES; CONGENITAL MYOPATHY 6 WITH OPHTHALMOPLEGIA; INCLUSION BODY MYOPATHY 3, AUTOSOMAL DOMINANT. Identifiers: Orphanet 363677, Orphanet 79091, MedGen C1854106, MONDO:0011577, OMIM 605637.

Allele frequency attached by ClinVar (database versions not stated): ExAC 0.00001; gnomAD 0.00001.

Submission:

Labcorp Genetics (formerly Invitae), Labcorp
Classification: Uncertain significance for Myopathy, proximal, and ophthalmoplegia. Last evaluated: 2022-05-21. Review status: criteria provided, single submitter. Criteria: Invitae Variant Classification Sherloc (09022015). Collection method: clinical testing. Allele origin: germline.
Comment: In summary, the available evidence is currently insufficient to determine the role of this variant in disease. Therefore, it has been classified as a Variant of Uncertain Significance. Algorithms developed to predict the effect of missense changes on protein structure and function (SIFT, PolyPhen-2, Align-GVGD) all suggest that this variant is likely to be disruptive. This variant has not been reported in the literature in individuals affected with MYH2-related conditions. This variant is present in population databases (rs778475119, gnomAD no frequency). This sequence change replaces glycine, which is neutral and non-polar, with cysteine, which is neutral and slightly polar, at codon 1063 of the MYH2 protein (p.Gly1063Cys).